The following is an entry in ClinVar:

ClinVar aggregate classification (germline): Uncertain significance (1 of 4 stars; one submission).

Submission:

Women's Health and Genetics/Laboratory Corporation of America, LabCorp
Classification: Uncertain significance. Last evaluated: 2025-11-04. Review status: criteria provided, single submitter. Criteria: LabCorp Variant Classification Summary - May 2015. Collection method: clinical testing. Allele origin: germline.
Comment: Variant summary: WAC c.1779G>A (p.Met593Ile) results in a conservative amino acid change in the encoded protein sequence. Algorithms developed to predict the effect of missense changes on protein structure and function are either unavailable or do not agree on the potential impact of this missense change. The variant was absent in 235580 control chromosomes. The available data on variant occurrences in the general population are insufficient to allow any conclusion about variant significance. To our knowledge, no occurrence of c.1779G>A in individuals affected with WAC-related conditions and no experimental evidence demonstrating its impact on protein function have been reported. No submitters have cited clinical-significance assessments for this variant to ClinVar. Based on the evidence outlined above, the variant was classified as uncertain significance.

NM_016628.5(WAC):c.1779G>A (p.Met593Ile)

Gene: WAC (WW domain containing adaptor with coiled-coil; plus strand). Cytogenetic location: 10p12.1.
Variant type: single nucleotide variant.
Coding change: c.1779G>A on transcript NM_016628.5 (MANE Select); coding-DNA position 1779, G replaced by A.
Protein change: p.Met593Ile; replaces methionine 593 with isoleucine.
Molecular consequence: missense variant.
Genome position (GRCh38, 1-based): chr10:28,617,689, G>A. VCF-style: chr10-28617689-G-A. GRCh37 (hg19) VCF-style: chr10-28906618-G-A.
Other names: c.1644G>A, p.Met548Ile (NM_100264.3); c.1470G>A, p.Met490Ile (NM_100486.4); short protein forms M490I, M548I, M593I.
Identifiers: ClinVar variation 4537105 (VCV004537105.1).